The following is an entry in ClinVar:

NM_004304.5(ALK):c.2050_2075del (p.Leu684fs)

Gene: ALK (ALK receptor tyrosine kinase; minus strand). Cytogenetic location: 2p23.2.
Variant type: Deletion.
Coding change: c.2050_2075del on transcript NM_004304.5 (MANE Select); coding-DNA positions 2050 to 2075, 26 bases deleted (CTGTTCACCACATGTGGGGCCAGCGG).
Protein change: p.Leu684fs; shifts the reading frame from leucine 684.
Molecular consequence: frameshift variant.
Genome position (GRCh38, 1-based): chr2:29,251,234-29,251,259, CCGCTGGCCCCACATGTGGTGAACAG deleted on the plus strand (CTGTTCACCACATGTGGGGCCAGCGG on the coding strand, the reverse complement: ALK is on the minus strand); deleting any 26 consecutive bases within chr2:29,251,234-29,251,261 gives the same sequence; the c. name uses the placement nearest the transcript's 3' end. VCF-style (leftmost placement, unchanged base first): chr2-29251233-CCCGCTGGCCCCACATGTGGTGAACAG-C. GRCh37 (hg19) VCF-style: chr2-29474099-CCCGCTGGCCCCACATGTGGTGAACAG-C.
Other names: short protein forms L684fs.
Identifiers: ClinVar variation 3359933 (VCV003359933.1).

ClinVar aggregate classification (germline): Uncertain significance (1 of 4 stars; one submission).

Submission:

GeneDx
Classification: Uncertain significance. Last evaluated: 2023-06-21. Review status: criteria provided, single submitter. Criteria: GeneDx Variant Classification Process June 2021. Collection method: clinical testing. Allele origin: germline. Affected: yes.
Comment: Not observed at significant frequency in large population cohorts (gnomAD); Has not been previously published as pathogenic or benign to our knowledge; Frameshift variant predicted to result in protein truncation or nonsense mediated decay in a gene or region of a gene for which loss of function is not a known mechanism of disease